The following is an entry in ClinVar:

ClinVar aggregate classification (germline): Uncertain significance (1 of 4 stars; one submission).

Conditions:
Neuropathy, hereditary sensory, type 1D. Identifiers: Orphanet 36386, MedGen C3150972, MONDO:0013381, OMIM 613708.

Allele frequency attached by ClinVar (database versions not stated): gnomAD 0.00001.
gnomAD v4.1: 1 of 1,613,972 alleles (0.000062%); highest among the groups gnomAD compares: South Asian, 0.0011%; no homozygotes.

Submission:

Centre for Mendelian Genomics, University Medical Centre Ljubljana
Classification: Uncertain significance for Neuropathy, hereditary sensory, type 1D. Last evaluated: 2018-12-03. Review status: criteria provided, single submitter. Criteria: ACMG Guidelines, 2015. Collection method: clinical testing. Allele origin: unknown. Affected: yes.
Comment: This variant was classified as: Uncertain significance. The available evidence on this variant's pathogenicity is insufficient or conflicting. The following ACMG criteria were applied in classifying this variant: PM2,PP3.

NM_015915.5(ATL1):c.169C>T (p.Leu57Phe)

Gene: ATL1 (atlastin GTPase 1; plus strand). Cytogenetic location: 14q22.1.
Variant type: single nucleotide variant.
Coding change: c.169C>T on transcript NM_015915.5 (MANE Select); coding-DNA position 169, C replaced by T.
Protein change: p.Leu57Phe; replaces leucine 57 with phenylalanine.
Molecular consequence: missense variant.
Genome position (GRCh38, 1-based): chr14:50,587,965, C>T. VCF-style: chr14-50587965-C-T. GRCh37 (hg19) VCF-style: chr14-51054683-C-T.
Other names: c.169C>T, p.Leu57Phe (NM_001127713.1, NM_181598.4); short protein forms L57F.
Identifiers: ClinVar variation 930242 (VCV000930242.3), dbSNP rs2039118655, ClinGen allele CA389665678.